The following is an entry in ClinVar:

NM_001171613.2(PREPL):c.879G>T (p.Arg293=)

Gene: PREPL (prolyl endopeptidase like; minus strand). Cytogenetic location: 2p21.
Variant type: single nucleotide variant.
Coding change: c.879G>T on transcript NM_001171613.2 (MANE Select); coding-DNA position 879, G replaced by T.
Protein change: p.Arg293=; no amino-acid change (arginine 293 retained).
Molecular consequence: synonymous variant. On other transcripts: intron variant (1).
Genome position (GRCh38, 1-based): chr2:44,338,360, C>A on the plus strand (G>T on the coding strand, the complement: PREPL is on the minus strand). VCF-style: chr2-44338360-C-A. GRCh37 (hg19) VCF-style: chr2-44565499-C-A.
Other names: c.1146G>T, p.Arg382= (NM_001042386.2, NM_001171603.1, NM_001171606.2 and 3 more transcripts); c.879G>T, p.Arg293= (NM_001171617.1, NM_001374277.1); c.969+787G>T (NM_001042385.2).
Identifiers: ClinVar variation 3043363 (VCV003043363.2), dbSNP rs546552914, ClinGen allele CA46546188.

ClinVar aggregate classification (germline): Likely benign (0 of 4 stars; one submission).

Conditions:
PREPL-related disorder. Also called: PREPL-related condition.

gnomAD v4.1: 29 of 1,610,674 alleles (0.0018%); highest among the groups gnomAD compares: Non-Finnish European, 0.0024%; no homozygotes.

Submission:

PreventionGenetics, part of Exact Sciences
Classification: Likely benign for PREPL-related condition. Last evaluated: 2019-06-26. Review status: no assertion criteria provided. Collection method: clinical testing. Allele origin: germline.
Comment: This variant is classified as likely benign based on ACMG/AMP sequence variant interpretation guidelines (Richards et al. 2015 PMID: 25741868, with internal and published modifications).